The following is an entry in ClinVar:

ClinVar aggregate classification (germline): Uncertain significance (1 of 4 stars; one submission).

Conditions:
MYO5B-related disorder. Also called: MYO5B-related condition.

gnomAD v4.1: 3 of 1,613,080 alleles (0.00019%); highest among the groups gnomAD compares: South Asian, 0.0011%; no homozygotes.

Submission:

PreventionGenetics, part of Exact Sciences
Classification: Uncertain significance for MYO5B-related condition. Last evaluated: 2022-10-14. Review status: criteria provided, single submitter. Criteria: ACMG Guidelines, 2015. Collection method: clinical testing. Allele origin: germline.
Comment: The MYO5B c.4288T>C variant is predicted to result in the amino acid substitution p.Tyr1430His. To our knowledge, this variant has not been reported in the literature or in a large population database, indicating this variant is rare. At this time, the clinical significance of this variant is uncertain due to the absence of conclusive functional and genetic evidence.

NM_001080467.3(MYO5B):c.4288T>C (p.Tyr1430His)

Genes: MYO5B (myosin VB; minus strand), SNHG22 (small nucleolar RNA host gene 22; plus strand), LOC126862745 (MED14-independent group 3 enhancer GRCh37_chr18:47375491-47376690; plus strand). Cytogenetic location: 18q21.1.
Variant type: single nucleotide variant.
Coding change: c.4288T>C on transcript NM_001080467.3 (MANE Select); coding-DNA position 4288, T replaced by C.
Protein change: p.Tyr1430His; replaces tyrosine 1430 with histidine.
Molecular consequence: missense variant.
Genome position (GRCh38, 1-based): chr18:49,849,594, A>G on the plus strand (T>C on the coding strand, the complement: MYO5B is on the minus strand). VCF-style: chr18-49849594-A-G. GRCh37 (hg19) VCF-style: chr18-47375964-A-G.
Other names: short protein forms Y1430H.
Identifiers: ClinVar variation 2637100 (VCV002637100.1), dbSNP rs773810603, ClinGen allele CA402426288.
Genomic context (GRCh38, chr18:49,849,594, plus strand): 5'-ATTCACAAAACACACTCACTCACACCCCCCTACCTTCTAGGTCCTGGGCTTTCTTCATGT[A>G]AATCTTCAGTTGCTTTTTGAGCTTCCTCTCATTCTTTTCCAGCTTTTCTACCAGTTCTTT-3'
Protein context (NP_001073936.1, residues 1420-1440): ERKLKKQLKI[Tyr1430His]MKKAQDLEAA